The following is an entry in ClinVar:

NM_000152.5(GAA):c.547A>G (p.Ile183Val)

Gene: GAA (alpha glucosidase; plus strand). Cytogenetic location: 17q25.3.
Variant type: single nucleotide variant.
Coding change: c.547A>G on transcript NM_000152.5 (MANE Select); coding-DNA position 547, A replaced by G.
Protein change: p.Ile183Val; replaces isoleucine 183 with valine.
Molecular consequence: missense variant.
Genome position (GRCh38, 1-based): chr17:80,105,749, A>G. VCF-style: chr17-80105749-A-G. GRCh37 (hg19) VCF-style: chr17-78079548-A-G.
Other names: c.547A>G, p.Ile183Val (NM_001079803.3, NM_001079804.3, NM_001406741.1 and 1 more transcripts); short protein forms I183V.
Identifiers: ClinVar variation 2134867 (VCV002134867.4), dbSNP rs2039067728, ClinGen allele CA401362018.

ClinVar aggregate classification (germline): Uncertain significance (1 of 4 stars; one submission).

Conditions:
Glycogen storage disease, type II (IOPD). Also called: CARDIOMEGALIA GLYCOGENICA DIFFUSA; POMPE DISEASE, INFANTILE-ONSET; GLYCOGEN STORAGE DISEASE II, INFANTILE-ONSET; ACID ALPHA-GLUCOSIDASE DEFICIENCY, INFANTILE-ONSET; GAA DEFICIENCY, INFANTILE-ONSET; ACID MALTASE DEFICIENCY, INFANTILE-ONSET. Identifiers: Orphanet 365, MedGen C0017921, MONDO:0009290, OMIM 232300.

Allele frequency attached by ClinVar (database versions not stated): gnomAD exomes below 0.00001.
gnomAD v4.1: 2 of 1,612,248 alleles (0.00012%); highest among the groups gnomAD compares: Non-Finnish European, 0.00017%; no homozygotes.

Submission:

Labcorp Genetics (formerly Invitae), Labcorp
Classification: Uncertain significance for Glycogen storage disease, type II. Last evaluated: 2022-05-06. Review status: criteria provided, single submitter. Criteria: Invitae Variant Classification Sherloc (09022015). Collection method: clinical testing. Allele origin: germline.
Comment: In summary, the available evidence is currently insufficient to determine the role of this variant in disease. Therefore, it has been classified as a Variant of Uncertain Significance. Algorithms developed to predict the effect of missense changes on protein structure and function (SIFT, PolyPhen-2, Align-GVGD) all suggest that this variant is likely to be tolerated. This variant has not been reported in the literature in individuals affected with GAA-related conditions. This variant is not present in population databases (gnomAD no frequency). This sequence change replaces isoleucine, which is neutral and non-polar, with valine, which is neutral and non-polar, at codon 183 of the GAA protein (p.Ile183Val).